The following is an entry in ClinVar:

ClinVar aggregate classification (germline): Uncertain significance (1 of 4 stars; one submission).

Submission:

Labcorp Genetics (formerly Invitae), Labcorp
Classification: Uncertain significance. Last evaluated: 2024-09-06. Review status: criteria provided, single submitter. Criteria: Invitae Variant Classification Sherloc (09022015). Collection method: clinical testing. Allele origin: germline.
Comment: This sequence change replaces proline, which is neutral and non-polar, with leucine, which is neutral and non-polar, at codon 2085 of the SON protein (p.Pro2085Leu). This variant is present in population databases (rs756831896, gnomAD 0.003%). This variant has not been reported in the literature in individuals affected with SON-related conditions. Experimental studies and prediction algorithms are not available or were not evaluated, and the functional significance of this variant is currently unknown. In summary, the available evidence is currently insufficient to determine the role of this variant in disease. Therefore, it has been classified as a Variant of Uncertain Significance.

NM_138927.4(SON):c.6254C>T (p.Pro2085Leu)

Gene: SON (SON DNA and RNA binding protein; plus strand). Cytogenetic location: 21q22.11.
Variant type: single nucleotide variant.
Coding change: c.6254C>T on transcript NM_138927.4 (MANE Select); coding-DNA position 6254, C replaced by T.
Protein change: p.Pro2085Leu; replaces proline 2085 with leucine.
Molecular consequence: missense variant. On other transcripts: non-coding transcript variant (1).
Genome position (GRCh38, 1-based): chr21:33,557,249, C>T. VCF-style: chr21-33557249-C-T. GRCh37 (hg19) VCF-style: chr21-34929555-C-T.
Other names: c.6254C>T, p.Pro2085Leu (NM_001291411.2, NM_032195.3); c.338C>T, p.Pro113Leu (NM_001291412.3); short protein forms P113L, P2085L.
Identifiers: ClinVar variation 3613487 (VCV003613487.2).
Genomic context (GRCh38, chr21:33,557,249, plus strand): 5'-ATGCAGCTGCCATGTGTGCTAAGGCTGGTGTCCCTTTACCACCAAACCTAAAGCCTGCAC[C>T]TCCACCTACTATAGAAGAGAAAGTTGCTAAAAAGTCAGGAGGAGCTACTATAGAAGAACT-3'
Protein context (NP_620305.3, residues 2075-2095): VPLPPNLKPA[Pro2085Leu]PPTIEEKVAK